The following is an entry in ClinVar:

NM_001164508.2(NEB):c.5170A>T (p.Lys1724Ter)

Gene: NEB (nebulin; minus strand). Cytogenetic location: 2q23.3.
Variant type: single nucleotide variant.
Coding change: c.5170A>T on transcript NM_001164508.2 (MANE Select); coding-DNA position 5170, A replaced by T.
Protein change: p.Lys1724Ter; replaces lysine 1724 with a stop codon.
Molecular consequence: nonsense.
Genome position (GRCh38, 1-based): chr2:151,665,401, T>A on the plus strand (A>T on the coding strand, the complement: NEB is on the minus strand). VCF-style: chr2-151665401-T-A. GRCh37 (hg19) VCF-style: chr2-152521915-T-A.
Other names: c.5170A>T, p.Lys1724Ter (NM_001164507.2, NM_001271208.2, NM_004543.5); short protein forms K1724*.
Identifiers: ClinVar variation 1724556 (VCV001724556.2), dbSNP rs2552257811, ClinGen allele CA348812165.

ClinVar aggregate classification (germline): Likely pathogenic (1 of 4 stars; one submission).

Conditions:
Nemaline myopathy 2 (NEM2). Also called: Nemaline myopathy 2, autosomal recessive. Identifiers: MedGen C1850569, MONDO:0009725, OMIM 256030.

Submission:

Myriad Genetics, Inc.
Classification: Likely pathogenic for Nemaline myopathy 2. Last evaluated: 2022-02-19. Review status: criteria provided, single submitter. Criteria: Myriad Women's Health Autosomal Recessive and X-Linked Classification Criteria (2021). Collection method: clinical testing. Allele origin: unknown.
Comment: NM_001271208.1(NEB):c.5170A>T(K1724*) is expected to be pathogenic in the context of NEB-related nemaline myopathy. This variant is predicted to lead to an abnormal or absent protein product due to the creation of a premature termination codon in NEB, a gene where loss-of-function variants are known to be pathogenic. Please note: this variant was assessed in the context of healthy population screening.